The following is an entry in ClinVar:

NM_019112.4(ABCA7):c.3210C>T (p.Gly1070=)

Gene: ABCA7 (ATP binding cassette subfamily A member 7; plus strand). Cytogenetic location: 19p13.3.
Variant type: single nucleotide variant.
Coding change: c.3210C>T on transcript NM_019112.4 (MANE Select); coding-DNA position 3210, C replaced by T.
Protein change: p.Gly1070=; no amino-acid change (glycine 1070 retained).
Molecular consequence: synonymous variant.
Genome position (GRCh38, 1-based): chr19:1,052,276, C>T. VCF-style: chr19-1052276-C-T. GRCh37 (hg19) VCF-style: chr19-1052275-C-T.
Identifiers: ClinVar variation 2648891 (VCV002648891.25), dbSNP rs199498383, ClinGen allele CA9033941.

ClinVar aggregate classification (germline): Likely benign. Review status: criteria provided, multiple submitters, no conflicts (2 of 4 stars). 2 submissions from 2 submitters: Likely benign (2). Last evaluated 2024-11-18.

Allele frequency attached by ClinVar (database versions not stated): 1000 Genomes Project 0.00080; 1000 Genomes Project 30x 0.00094; gnomAD 0.00098; gnomAD exomes 0.00101; ESP Exome Variant Server 0.00112; TOPMed 0.00138; ExAC 0.00322.
gnomAD v4.1: 1,631 of 1,536,952 alleles (0.11%); highest among the groups gnomAD compares: Middle Eastern, 2.3%; 14 homozygotes.

Submissions (2):

Blueprint Genetics
Classification: Likely benign. Last evaluated: 2024-11-18. Review status: criteria provided, single submitter. Criteria: ACMG Guidelines, 2015. Collection method: clinical testing. Allele origin: germline.

CeGaT Center for Human Genetics Tuebingen
Classification: Likely benign. Last evaluated: 2023-02-01. Review status: criteria provided, single submitter. Criteria: CeGaT Center For Human Genetics Tuebingen Variant Classification Criteria Version 2. Collection method: clinical testing. Allele origin: germline. Affected: yes. Observed: 3 variant alleles.
Comment: ABCA7: BP4, BP7